The following is an entry in ClinVar:

NM_001927.4(DES):c.427C>T (p.Leu143Phe)

Gene: DES (desmin; plus strand). Cytogenetic location: 2q35.
Variant type: single nucleotide variant.
Coding change: c.427C>T on transcript NM_001927.4 (MANE Select); coding-DNA position 427, C replaced by T.
Protein change: p.Leu143Phe; replaces leucine 143 with phenylalanine.
Molecular consequence: missense variant.
Genome position (GRCh38, 1-based): chr2:219,418,889, C>T. VCF-style: chr2-219418889-C-T. GRCh37 (hg19) VCF-style: chr2-220283611-C-T.
Other names: c.427C>T, p.Leu143Phe (NM_001382708.1, NM_001382709.1, NM_001382710.1 and 3 more transcripts); short protein forms L143F.
Identifiers: ClinVar variation 4791124 (VCV004791124.1).

ClinVar aggregate classification (germline): Uncertain significance (1 of 4 stars; one submission).

Conditions:
Desmin-related myofibrillar myopathy (MFM1). Also called: Desminopathy; Desmin related myopathy (former name); Desmin storage myopathy (former name); Myofibrillar myopathy 1; MYOFIBRILLAR MYOPATHY WITH ARRHYTHMOGENIC RIGHT VENTRICULAR CARDIOMYOPATHY; DESMIN-RELATED MYOPATHY WITH ARRHYTHMOGENIC RIGHT VENTRICULAR CARDIOMYOPATHY. Identifiers: Orphanet 363543, Orphanet 98909, MedGen C1832370, MONDO:0011076, OMIM 601419.

gnomAD v4.1: 2 of 1,567,478 alleles (0.00013%); no homozygotes.

Submission:

Labcorp Genetics (formerly Invitae), Labcorp
Classification: Uncertain significance for Desmin-related myofibrillar myopathy. Last evaluated: 2025-05-05. Review status: criteria provided, single submitter. Criteria: Invitae Variant Classification Sherloc (09022015). Collection method: clinical testing. Allele origin: germline.
Comment: This sequence change replaces leucine, which is neutral and non-polar, with phenylalanine, which is neutral and non-polar, at codon 143 of the DES protein (p.Leu143Phe). This variant is not present in population databases (gnomAD no frequency). This variant has not been reported in the literature in individuals affected with DES-related conditions. Invitae Evidence Modeling of protein sequence and biophysical properties (such as structural, functional, and spatial information, amino acid conservation, physicochemical variation, residue mobility, and thermodynamic stability) has been performed for this missense variant. However, the output from this modeling did not meet the statistical confidence thresholds required to predict the impact of this variant on DES protein function. In summary, the available evidence is currently insufficient to determine the role of this variant in disease. Therefore, it has been classified as a Variant of Uncertain Significance.